The following is an entry in ClinVar:

NM_001271696.3(ABCB7):c.502C>T (p.Leu168Phe)

Gene: ABCB7 (ATP binding cassette subfamily B member 7; minus strand). Cytogenetic location: Xq13.3.
Variant type: single nucleotide variant.
Coding change: c.502C>T on transcript NM_001271696.3 (MANE Select); coding-DNA position 502, C replaced by T.
Protein change: p.Leu168Phe; replaces leucine 168 with phenylalanine.
Molecular consequence: missense variant.
Genome position (GRCh38, 1-based): chrX:75,076,606, G>A on the plus strand (C>T on the coding strand, the complement: ABCB7 is on the minus strand). VCF-style: chrX-75076606-G-A. GRCh37 (hg19) VCF-style: chrX-74296441-G-A.
Other names: c.382C>T, p.Leu128Phe (NM_001271697.3); c.424C>T, p.Leu142Phe (NM_001271698.3); c.385C>T, p.Leu129Phe (NM_001271699.3); c.505C>T, p.Leu169Phe (NM_004299.6); short protein forms L128F, L129F, L142F, L168F, L169F.
Identifiers: ClinVar variation 5019886 (VCV005019886.2).
Genomic context (GRCh38, chrX:75,076,606, plus strand): 5'-TGGTTGCAACTGTATTTGGTGCATCACTCAGGTTCAGCATGTTTCCCGACATCTGGTTGA[G>A]GCTGTCTACAGCATATTTAAACATGAAGGGAACCACAATATTCATGGCCTAAAAACATAA-3'
Protein context (NP_001258625.1, residues 158-178): PFMFKYAVDS[Leu168Phe]NQMSGNMLNL

ClinVar aggregate classification (germline): Uncertain significance (1 of 4 stars; one submission).

Conditions:
X-linked sideroblastic anemia with ataxia (SCAX6). Also called: SPINOCEREBELLAR ATAXIA, X-LINKED 6, WITH OR WITHOUT SIDEROBLASTIC ANEMIA. Identifiers: Orphanet 2802, MedGen C1845028, MONDO:0010524, OMIM 301310.

Submission:

Juno Genomics, Hangzhou Juno Genomics, Inc
Classification: Uncertain significance for X-linked sideroblastic anemia with ataxia. Review status: criteria provided, single submitter. Criteria: ACMG Guidelines, 2015. Collection method: clinical testing. Allele origin: germline.
Comment: Absent from controls (or at extremely low frequency if recessive) in Genome Aggregation Database.;Multiple lines of computational evidence support a deleterious effect on the gene or gene product.;Missense variant in a gene that has a low rate of benign missense variation.